The following is an entry in ClinVar:

ClinVar aggregate classification (germline): Uncertain significance. Review status: criteria provided, multiple submitters, no conflicts (2 of 4 stars). 3 submissions from 3 submitters: Uncertain significance (3). Last evaluated 2026-09-17.

Conditions:
Malignant hyperthermia, susceptibility to, 1 (MHS1). Also called: Malignant hyperthermia suceptibility 1; Anesthesia related hyperthermia; Malignant hyperpyrexia; Fulminating hyperpyrexia; Pharmacogenic myopathy; RYR1-Related Malignant Hyperthermia Susceptibility. Identifiers: Orphanet 423, MedGen C2930980, MONDO:0007783, OMIM 145600.
RYR1-related disorder. Also called: RYR1-related condition; RYR1-related disorders. Identifiers: MedGen CN239331.

Allele frequency attached by ClinVar (database versions not stated): gnomAD exomes below 0.00001; TOPMed below 0.00001; ExAC 0.00001; gnomAD 0.00001.
gnomAD v4.1: 3 of 1,613,714 alleles (0.00019%); highest among the groups gnomAD compares: Admixed American, 0.005%; no homozygotes.

Submissions (3):

GeneDx
Classification: Uncertain significance. Last evaluated: 2026-09-17. Review status: criteria provided, single submitter. Criteria: GeneDx Variant Classification Process June 2021. Collection method: clinical testing. Allele origin: germline.
Comment: Not observed at significant frequency in large population cohorts (gnomAD); In silico analysis supports that this missense variant has a deleterious effect on protein structure/function; Has not been previously published as pathogenic or benign to our knowledge

Labcorp Genetics (formerly Invitae), Labcorp
Classification: Uncertain significance for RYR1-related disorder. Last evaluated: 2025-08-29. Review status: criteria provided, single submitter. Criteria: Invitae Variant Classification Sherloc (09022015). Collection method: clinical testing. Allele origin: germline.
Comment: This sequence change replaces valine, which is neutral and non-polar, with alanine, which is neutral and non-polar, at codon 2503 of the RYR1 protein (p.Val2503Ala). This variant is present in population databases (rs752085680, gnomAD 0.006%). This variant has not been reported in the literature in individuals affected with RYR1-related conditions. ClinVar contains an entry for this variant (Variation ID: 3070511). Invitae Evidence Modeling of protein sequence and biophysical properties (such as structural, functional, and spatial information, amino acid conservation, physicochemical variation, residue mobility, and thermodynamic stability) has been performed for this missense variant. However, the output from this modeling did not meet the statistical confidence thresholds required to predict the impact of this variant on RYR1 protein function. In summary, the available evidence is currently insufficient to determine the role of this variant in disease. Therefore, it has been classified as a Variant of Uncertain Significance.

All of Us Research Program, National Institutes of Health
Classification: Uncertain significance for Malignant hyperthermia, susceptibility to, 1. Last evaluated: 2023-04-27. Review status: criteria provided, single submitter. Criteria: ACMG Guidelines, 2015. Collection method: clinical testing. Allele origin: germline. Inheritance: Autosomal dominant inheritance. Observed: 1 variant allele, 1 heterozygote.
Comment: This study involves interpretation of variants in research participants for the purpose of population health screening. Participant phenotype was not available at the time of variant classification. Additional details can be found in publication PMID: 35346344, PMCID: PMC8962531

NM_000540.3(RYR1):c.7508T>C (p.Val2503Ala)

Gene: RYR1 (ryanodine receptor 1; plus strand). Cytogenetic location: 19q13.2.
Variant type: single nucleotide variant.
Coding change: c.7508T>C on transcript NM_000540.3 (MANE Select); coding-DNA position 7508, T replaced by C.
Protein change: p.Val2503Ala; replaces valine 2503 with alanine.
Molecular consequence: missense variant.
Genome position (GRCh38, 1-based): chr19:38,500,884, T>C. VCF-style: chr19-38500884-T-C. GRCh37 (hg19) VCF-style: chr19-38991524-T-C.
Other names: c.7508T>C, p.Val2503Ala (NM_001042723.2); short protein forms V2503A.
Identifiers: ClinVar variation 3070511 (VCV003070511.5), dbSNP rs752085680, ClinGen allele CA069741.